The following is an entry in ClinVar:

NM_001394998.1(TANC2):c.4596G>A (p.Pro1532=)

Gene: TANC2 (tetratricopeptide repeat, ankyrin repeat and coiled-coil containing 2; plus strand). Cytogenetic location: 17q23.3.
Variant type: single nucleotide variant.
Coding change: c.4596G>A on transcript NM_001394998.1 (MANE Select); coding-DNA position 4596, G replaced by A.
Protein change: p.Pro1532=; no amino-acid change (proline 1532 retained).
Molecular consequence: synonymous variant.
Genome position (GRCh38, 1-based): chr17:63,420,326, G>A. VCF-style: chr17-63420326-G-A. GRCh37 (hg19) VCF-style: chr17-61497687-G-A.
Other names: c.4374G>A, p.Pro1458= (NM_001411076.1); c.4344G>A, p.Pro1448= (NM_025185.4).
Identifiers: ClinVar variation 2648064 (VCV002648064.25), dbSNP rs777649289, ClinGen allele CA8698286.

ClinVar aggregate classification (germline): Likely benign. Review status: criteria provided, multiple submitters, no conflicts (2 of 4 stars). 2 submissions from 2 submitters: Likely benign (2). Last evaluated 2024-10-14.

Allele frequency attached by ClinVar (database versions not stated): ExAC 0.00002; TOPMed 0.00003; gnomAD 0.00005.
gnomAD v4.1: 76 of 1,613,674 alleles (0.0047%); highest among the groups gnomAD compares: Non-Finnish European, 0.0058%; no homozygotes.

Submissions (2):

Blueprint Genetics
Classification: Likely benign. Last evaluated: 2024-10-14. Review status: criteria provided, single submitter. Criteria: ACMG Guidelines, 2015. Collection method: clinical testing. Allele origin: germline.

CeGaT Center for Human Genetics Tuebingen
Classification: Likely benign. Last evaluated: 2022-06-01. Review status: criteria provided, single submitter. Criteria: CeGaT Center For Human Genetics Tuebingen Variant Classification Criteria Version 2. Collection method: clinical testing. Allele origin: germline. Affected: yes. Observed: 1 variant allele.
Comment: TANC2: BP4, BP7